The following is an entry in ClinVar:

ClinVar aggregate classification (germline): Likely benign (1 of 4 stars; one submission).

Conditions:
Seizures, benign familial infantile, 3 (BFIS3). Also called: CONVULSIONS, BENIGN FAMILIAL INFANTILE, 3; Familial neonatal seizures. Identifiers: Orphanet 140927, Orphanet 306, MedGen C1843140, MONDO:0011904, OMIM 607745.

Allele frequency attached by ClinVar (database versions not stated): 1000 Genomes Project 0.00080; gnomAD 0.00103 and 0.00111; TOPMed 0.00111; 1000 Genomes Project 30x 0.00203.

Submission:

Illumina Laboratory Services, Illumina
Classification: Likely benign for Seizures, benign familial infantile, 3. Last evaluated: 2018-01-12. Review status: criteria provided, single submitter. Criteria: ICSL Variant Classification Criteria 13 December 2019. Collection method: clinical testing. Allele origin: germline.
Comment: This variant was observed in the ICSL laboratory as part of a predisposition screen in an ostensibly healthy population. It had not been previously curated by ICSL or reported in the Human Gene Mutation Database (HGMD: prior to June 1st, 2018), and was therefore a candidate for classification through an automated scoring system. Utilizing variant allele frequency, disease prevalence and penetrance estimates, and inheritance mode, an automated score was calculated to assess if this variant is too frequent to cause the disease. Based on the score and internal cut-off values, a variant classified as likely benign is not then subjected to further curation. The score for this variant resulted in a classification of likely benign for this disease.

NM_001040142.2(SCN2A):c.*874A>G

Gene: SCN2A (sodium voltage-gated channel alpha subunit 2; plus strand). Cytogenetic location: 2q24.3.
Variant type: single nucleotide variant.
Coding change: c.*874A>G on transcript NM_001040142.2 (MANE Select); 874 bases downstream of the stop codon, A replaced by G.
Molecular consequence: 3 prime UTR variant.
Genome position (GRCh38, 1-based): chr2:165,390,698, A>G. VCF-style: chr2-165390698-A-G. GRCh37 (hg19) VCF-style: chr2-166247208-A-G.
Other names: c.*874A>G (NM_001040143.2, NM_001371246.1, NM_001371247.1 and 1 more transcripts).
Identifiers: ClinVar variation 893991 (VCV000893991.4), dbSNP rs572817494, ClinGen allele CA59754186.
Genomic context (GRCh38, chr2:165,390,698, plus strand): 5'-ATATATATGTATACACACATGCACACACAGAGATATACACATACCATTACATTGTCATTC[A>G]CAGTCCCAGCAGCATGACTATCACATTTTTGATAAGTGTCCTTTGGCATAAAATAAAAAT-3'